The following is an entry in ClinVar:

NM_012469.4(PRPF6):c.2205+1G>T

Gene: PRPF6 (pre-mRNA processing factor 6; plus strand). Cytogenetic location: 20q13.33.
Variant type: single nucleotide variant.
Coding change: c.2205+1G>T on transcript NM_012469.4 (MANE Select); the canonical splice donor site of the intron after coding-DNA position 2205, G replaced by T.
Molecular consequence: splice donor variant.
Genome position (GRCh38, 1-based): chr20:64,027,159, G>T. VCF-style: chr20-64027159-G-T. GRCh37 (hg19) VCF-style: chr20-62658512-G-T.
Identifiers: ClinVar variation 1428182 (VCV001428182.8), dbSNP rs112093327, ClinGen allele CA317547876.

ClinVar aggregate classification (germline): Uncertain significance (1 of 4 stars; one submission).

Submission:

Labcorp Genetics (formerly Invitae), Labcorp
Classification: Uncertain significance. Last evaluated: 2021-02-01. Review status: criteria provided, single submitter. Criteria: Invitae Variant Classification Sherloc (09022015). Collection method: clinical testing. Allele origin: germline.
Comment: Algorithms developed to predict the effect of sequence changes on RNA splicing suggest that this variant may disrupt the consensus splice site, but this prediction has not been confirmed by published transcriptional studies. In summary, the available evidence is currently insufficient to determine the role of this variant in disease. Therefore, it has been classified as a Variant of Uncertain Significance. This variant has not been reported in the literature in individuals with PRPF6-related conditions. This sequence change affects a donor splice site in intron 16 of the PRPF6 gene. It is expected to disrupt RNA splicing. Variants that disrupt the donor or acceptor splice site typically lead to a loss of protein function (PMID: 16199547), however the current clinical and genetic evidence is not sufficient to establish whether loss-of-function variants in PRPF6 cause disease. This variant is not present in population databases (ExAC no frequency).

Literature cited by the submitters: PubMed 16199547.